The following continues an entry in ClinVar:

NM_000051.4(ATM):c.6995T>C (p.Leu2332Pro)

ClinVar aggregate classification (germline): Benign. Benign (1).

Submissions 19 to 30 of 30:

Ambry Genetics
Classification: Benign for Hereditary cancer-predisposing syndrome. Last evaluated: 2014-11-25. Review status: criteria provided, single submitter. Criteria: Ambry Variant Classification Scheme 2023. Collection method: clinical testing. Allele origin: germline. Not counted in ClinVar's aggregate classification.

Color Diagnostics, LLC DBA Color Health
Classification: Benign for Hereditary cancer-predisposing syndrome. Last evaluated: 2014-11-12. Review status: criteria provided, single submitter. Criteria: ACMG Guidelines, 2015. Collection method: clinical testing. Allele origin: germline. Not counted in ClinVar's aggregate classification.

GeneDx
Classification: Benign. Last evaluated: 2013-10-01. Review status: criteria provided, single submitter. Criteria: GeneDx Variant Classification (06012015). Collection method: clinical testing. Allele origin: germline. Affected: yes. Not counted in ClinVar's aggregate classification.
Comment: This variant is considered likely benign or benign based on one or more of the following criteria: it is a conservative change, it occurs at a poorly conserved position in the protein, it is predicted to be benign by multiple in silico algorithms, and/or has population frequency not consistent with disease.

Natera, Inc.
Classification: Benign for Ataxia-telangiectasia. Last evaluated: 2020-01-07. Review status: no assertion criteria provided. Collection method: clinical testing. Allele origin: germline. Not counted in ClinVar's aggregate classification.

True Health Diagnostics
Classification: Likely benign for Hereditary cancer-predisposing syndrome. Last evaluated: 2018-06-18. Review status: no assertion criteria provided. Collection method: clinical testing. Allele origin: germline. Not counted in ClinVar's aggregate classification.

ITMI
No classification provided. Condition: AllHighlyPenetrant. Last evaluated: 2013-09-19. Review status: no classification provided. Collection method: reference population. Allele origin: germline. Not counted in ClinVar's aggregate classification.
Comment: Please see associated publication for description of ethnicities

Clinical Genetics DNA and cytogenetics Diagnostics Lab, Erasmus MC, Erasmus Medical Center
Classification: Likely benign. Review status: no assertion criteria provided. Collection method: clinical testing. Allele origin: germline. Affected: yes. Study: VKGL Data-share Consensus. Not counted in ClinVar's aggregate classification.

Clinical Genetics Laboratory, Department of Pathology, Netherlands Cancer Institute
Classification: Benign. Review status: no assertion criteria provided. Collection method: clinical testing. Allele origin: germline. Affected: yes. Study: VKGL Data-share Consensus. Not counted in ClinVar's aggregate classification.

Department of Pathology and Laboratory Medicine, Sinai Health System
Classification: Benign for Malignant tumor of breast. Review status: no assertion criteria provided. Collection method: clinical testing. Allele origin: unknown. Affected: yes. Study: The Canadian Open Genetics Repository (COGR). Not counted in ClinVar's aggregate classification.
Comment: The ATM p.Leu2332Pro variant was identified in 6 of 2720 proband chromosomes (frequency: 0.002) from American and Brazilian individuals or families with Lynch syndrome or sporadic breast cancer and was not identified in 200 chromosomes from healthy individuals (Yurgelun_2015_25980754 , Mangone_2015_25625042). The variant was also identified in dbSNP (ID: rs4988111) â€šÃ„ÃºWith Likely benign, Uncertain significance alleleâ€šÃ„Ã¹, ClinVar (classified benign by GeneDx, Ambry Genetics, Invitae; likely benign by Center for Pediatric Genomic Medicine (Children's Mercy Hospital and Clinics); and classification not provided by ITMI), Clinvitae (4x); and was not identified in GeneInsight-COGR, Cosmic, MutDB, and LOVD 3.0. The variant was identified in control databases in 557 (7 homozygous) of 276772 chromosomes at a frequency of 0.002 increasing the likelihood this could be a low frequency benign variant (Genome Aggregation Database Feb 27, 2017). Breakdown of the observations by population include African in 515 (7 homozygous) of 24026 chromosomes (freq: 0.02), Other in 4 of 6460 chromosomes (freq: 0.0006), Latino in 27 of 34410 chromosomes (freq: 0.0008), European Non-Finnish in 9 of 126350 chromosomes (freq: 0.00007), Ashkenazi Jewish in 1 of 10138 chromosomes (freq: 0.0001), and South Asian in 1 of 30780 chromosomes (freq: 0.00003) while not observed in the East Asian and European Finnish, populations. The p.Leu2332 residue is not conserved in mammals and four out of five computational analyses (PolyPhen-2, SIFT, AlignGVGD, BLOSUM, MutationTaster) do not suggest a high likelihood the variant Pro impacts the protein; however, this information is not predictive enough to rule out pathogenicity. The variant occurs outside of the splicing consensus sequence and in silico or computational prediction software programs (SpliceSiteFinder, MaxEntScan, NNSPLICE, GeneSplicer, HumanSpliceFinder) do not predict a difference in splicing. In summary, based on the above information this variant meets our laboratory's criteria to be classified as benign.

Diagnostic Laboratory, Department of Genetics, University Medical Center Groningen
Classification: Benign. Review status: no assertion criteria provided. Collection method: clinical testing. Allele origin: germline. Affected: yes. Study: VKGL Data-share Consensus. Not counted in ClinVar's aggregate classification.

Joint Genome Diagnostic Labs from Nijmegen and Maastricht, Radboudumc and MUMC+
Classification: Likely benign. Review status: no assertion criteria provided. Collection method: clinical testing. Allele origin: germline. Affected: yes. Study: VKGL Data-share Consensus. Not counted in ClinVar's aggregate classification.

Laboratory of Diagnostic Genome Analysis, Leiden University Medical Center (LUMC)
Classification: Likely benign. Review status: no assertion criteria provided. Collection method: clinical testing. Allele origin: germline. Affected: yes. Study: VKGL Data-share Consensus. Not counted in ClinVar's aggregate classification.

Literature cited by the submitters: PubMed 25625042 (cited by Athena Diagnostics); PubMed 12673804 (cited by Athena Diagnostics); PubMed 18573109 (cited by Athena Diagnostics); PubMed 17333338 (cited by Athena Diagnostics); PubMed 32039725 (cited by Athena Diagnostics); PubMed 25085752 (cited by Myriad Genetics, Inc.); PubMed 24728327 (cited by ITMI).